The following is an entry in ClinVar:

NM_001376571.1(MADD):c.3481G>A (p.Ala1161Thr)

Gene: MADD (MAP kinase activating death domain; plus strand). Cytogenetic location: 11p11.2.
Variant type: single nucleotide variant.
Coding change: c.3481G>A on transcript NM_001376571.1 (MANE Select); coding-DNA position 3481, G replaced by A.
Protein change: p.Ala1161Thr; replaces alanine 1161 with threonine.
Molecular consequence: missense variant. On other transcripts: non-coding transcript variant (7).
Genome position (GRCh38, 1-based): chr11:47,293,948, G>A. VCF-style: chr11-47293948-G-A. GRCh37 (hg19) VCF-style: chr11-47315499-G-A.
Other names: c.3238G>A, p.Ala1080Thr (NM_001135943.2, NM_001135944.2, NM_001376603.1 and 14 more transcripts); c.3481G>A, p.Ala1161Thr (NM_001376572.1, NM_001376573.1, NM_001376599.1 and 4 more transcripts); c.3427G>A, p.Ala1143Thr (NM_001376574.1, NM_001376605.1, NM_001376606.1 and 4 more transcripts); c.3421G>A, p.Ala1141Thr (NM_001376575.1, NM_001376576.1, NM_001376577.1 and 2 more transcripts); c.3394G>A, p.Ala1132Thr (NM_001376578.1); c.3367G>A, p.Ala1123Thr (NM_001376579.1, NM_001376580.1, NM_001376584.1 and 7 more transcripts); c.3352G>A, p.Ala1118Thr (NM_001376581.1, NM_001376582.1, NM_001376624.1 and 4 more transcripts); c.3319G>A, p.Ala1107Thr (NM_001376583.1); and 18 more; short protein forms A1030T, A1032T, A1046T, A1050T, A1055T, A1064T, A1073T, A1080T.
Identifiers: ClinVar variation 2433598 (VCV002433598.9), dbSNP rs61755074, ClinGen allele CA5974808.

ClinVar aggregate classification (germline): Conflicting classifications of pathogenicity. Review status: criteria provided, conflicting classifications (1 of 4 stars). 3 submissions from 3 submitters: Uncertain significance (1); Benign (1). 1 of the submissions does not count toward it. Last evaluated 2026-03-01.

Conditions:
MADD-related disorder. Also called: MADD-related condition; MADD-Related Disorders.

Allele frequency attached by ClinVar (database versions not stated): 1000 Genomes Project 0.00100; ESP Exome Variant Server 0.00115; gnomAD 0.00127; ExAC 0.00132; 1000 Genomes Project 30x 0.00156; gnomAD exomes 0.00188.
gnomAD v4.1: 2,908 of 1,614,164 alleles (0.18%); highest among the groups gnomAD compares: Non-Finnish European, 0.23%; 4 homozygotes.

Submissions (3):

CeGaT Center for Human Genetics Tuebingen
Classification: Benign. Last evaluated: 2026-03-01. Review status: criteria provided, single submitter. Criteria: CeGaT Center For Human Genetics Tuebingen Variant Classification Criteria Version 2. Collection method: clinical testing. Allele origin: germline. Affected: yes. Observed: 1 variant allele.
Comment: MADD: BS1, BS2

Revvity Omics, Revvity
Classification: Uncertain significance. Last evaluated: 2022-05-19. Review status: criteria provided, single submitter. Criteria: ACMG Guidelines, 2015. Collection method: clinical testing. Allele origin: germline.

PreventionGenetics, part of Exact Sciences
Classification: Likely benign for MADD-related condition. Last evaluated: 2022-03-03. Review status: no assertion criteria provided. Collection method: clinical testing. Allele origin: germline. Not counted in ClinVar's aggregate classification.
Comment: This variant is classified as likely benign based on ACMG/AMP sequence variant interpretation guidelines (Richards et al. 2015 PMID: 25741868, with internal and published modifications).